The following is an entry in ClinVar:

NM_182961.4(SYNE1):c.13918T>C (p.Tyr4640His)

Gene: SYNE1 (spectrin repeat containing nuclear envelope protein 1; minus strand). Cytogenetic location: 6q25.2.
Variant type: single nucleotide variant.
Coding change: c.13918T>C on transcript NM_182961.4 (MANE Select); coding-DNA position 13918, T replaced by C.
Protein change: p.Tyr4640His; replaces tyrosine 4640 with histidine.
Molecular consequence: missense variant.
Genome position (GRCh38, 1-based): chr6:152,330,767, A>G on the plus strand (T>C on the coding strand, the complement: SYNE1 is on the minus strand). VCF-style: chr6-152330767-A-G. GRCh37 (hg19) VCF-style: chr6-152651902-A-G.
Other names: c.13705T>C, p.Tyr4569His (NM_033071.5); short protein forms Y4640H, Y4569H.
Identifiers: ClinVar variation 805551 (VCV000805551.10), dbSNP rs748256440, ClinGen allele CA4056101.

ClinVar aggregate classification (germline): Uncertain significance. Review status: criteria provided, multiple submitters, no conflicts (2 of 4 stars). 3 submissions from 3 submitters: Uncertain significance (3). Last evaluated 2020-04-27.

Conditions:
Emery-Dreifuss muscular dystrophy 4, autosomal dominant (EDMD4). Also called: EMERY-DREIFUSS MUSCULAR DYSTROPHY 4 WITH VARIABLE FEATURES. Identifiers: Orphanet 261, MedGen C2751807, MONDO:0013071, OMIM 612998.
Autosomal recessive ataxia, Beauce type. Also called: Spinocerebellar ataxia, autosomal recessive 8; ATAXIA, RECESSIVE, OF BEAUCE; SYNE1 Deficiency; SYNE1-Related Autosomal Recessive Cerebellar Ataxia. Identifiers: Orphanet 88644, MedGen C1853116, MONDO:0012549, OMIM 610743.

Allele frequency attached by ClinVar (database versions not stated): ExAC 0.00001; gnomAD exomes 0.00002 and 0.00003; gnomAD 0.00003; TOPMed 0.00003.
gnomAD v4.1: 58 of 1,613,904 alleles (0.0036%); highest among the groups gnomAD compares: Non-Finnish European, 0.0044%; no homozygotes.

Submissions (3):

Labcorp Genetics (formerly Invitae), Labcorp
Classification: Uncertain significance for Emery-Dreifuss muscular dystrophy 4, autosomal dominant; Autosomal recessive ataxia, Beauce type. Last evaluated: 2020-04-27. Review status: criteria provided, single submitter. Criteria: Invitae Variant Classification Sherloc (09022015). Collection method: clinical testing. Allele origin: germline.
Comment: This variant is present in population databases (rs748256440, ExAC 0.002%). This sequence change replaces tyrosine with histidine at codon 4569 of the SYNE1 protein (p.Tyr4569His). The tyrosine residue is highly conserved and there is a moderate physicochemical difference between tyrosine and histidine. This variant has not been reported in the literature in individuals with SYNE1-related conditions. ClinVar contains an entry for this variant (Variation ID: 805551). Algorithms developed to predict the effect of missense changes on protein structure and function (SIFT, PolyPhen-2, Align-GVGD) all suggest that this variant is likely to be disruptive, but these predictions have not been confirmed by published functional studies and their clinical significance is uncertain. In summary, the available evidence is currently insufficient to determine the role of this variant in disease. Therefore, it has been classified as a Variant of Uncertain Significance.

Athena Diagnostics
Classification: Uncertain significance. Last evaluated: 2019-04-12. Review status: criteria provided, single submitter. Criteria: Athena Diagnostics Criteria. Collection method: clinical testing. Allele origin: germline.

Baylor Genetics
Classification: Uncertain significance for Autosomal recessive ataxia, Beauce type. Last evaluated: 2018-05-04. Review status: criteria provided, single submitter. Criteria: ACMG Guidelines, 2015. Collection method: clinical testing. Allele origin: maternal. Affected: yes.
Comment: This variant was determined to be of uncertain significance according to ACMG Guidelines, 2015 [PMID:25741868].